The following is an entry in ClinVar:

ClinVar aggregate classification (germline): Uncertain significance (1 of 4 stars; one submission).

Conditions:
Lafora disease. Also called: Epilepsy progressive myoclonic 2; Progressive Myoclonus Epilepsy, Lafora Type. Identifiers: Orphanet 501, MedGen C0751783, MONDO:0009697.

Allele frequency attached by ClinVar (database versions not stated): ExAC 0.00002.

Submission:

Labcorp Genetics (formerly Invitae), Labcorp
Classification: Uncertain significance for Lafora disease. Last evaluated: 2024-10-17. Review status: criteria provided, single submitter. Criteria: Invitae Variant Classification Sherloc (09022015). Collection method: clinical testing. Allele origin: germline.
Comment: This sequence change replaces arginine, which is basic and polar, with glutamine, which is neutral and polar, at codon 76 of the NHLRC1 protein (p.Arg76Gln). The frequency data for this variant in the population databases is considered unreliable, as metrics indicate poor data quality at this position in the gnomAD database. This variant has not been reported in the literature in individuals affected with NHLRC1-related conditions. Invitae Evidence Modeling of protein sequence and biophysical properties (such as structural, functional, and spatial information, amino acid conservation, physicochemical variation, residue mobility, and thermodynamic stability) indicates that this missense variant is not expected to disrupt NHLRC1 protein function with a negative predictive value of 95%. In summary, the available evidence is currently insufficient to determine the role of this variant in disease. Therefore, it has been classified as a Variant of Uncertain Significance.

NM_198586.3(NHLRC1):c.227G>A (p.Arg76Gln)

Gene: NHLRC1 (NHL repeat containing E3 ubiquitin protein ligase 1; minus strand). Cytogenetic location: 6p22.3.
Variant type: single nucleotide variant.
Coding change: c.227G>A on transcript NM_198586.3 (MANE Select); coding-DNA position 227, G replaced by A.
Protein change: p.Arg76Gln; replaces arginine 76 with glutamine.
Molecular consequence: missense variant.
Genome position (GRCh38, 1-based): chr6:18,122,380, C>T on the plus strand (G>A on the coding strand, the complement: NHLRC1 is on the minus strand). VCF-style: chr6-18122380-C-T. GRCh37 (hg19) VCF-style: chr6-18122611-C-T.
Other names: short protein forms R76Q.
Identifiers: ClinVar variation 2891887 (VCV002891887.3), dbSNP rs753103968, ClinGen allele CA3650025.
Genomic context (GRCh38, chr6:18,122,380, plus strand): 5'-GCTGAGCCCAGGAGCTCTATGAGGTGCAGCACCGGCAGGCAGTCGCTGGTGTCGCAGCCC[C>T]GGCAAGCTCGCCTGCAGAATGGGCACTCGAGGGCCAGAGTGCGCGGGTGCGCCAGGGCGG-3'
Protein context (NP_940988.2, residues 66-86): LECPFCRRAC[Arg76Gln]GCDTSDCLPV